The following is an entry in ClinVar:

NM_144643.4(SCLT1):c.1750C>A (p.Gln584Lys)

Gene: SCLT1 (sodium channel and clathrin linker 1; minus strand). Cytogenetic location: 4q28.2.
Variant type: single nucleotide variant.
Coding change: c.1750C>A on transcript NM_144643.4 (MANE Select); coding-DNA position 1750, C replaced by A.
Protein change: p.Gln584Lys; replaces glutamine 584 with lysine.
Molecular consequence: missense variant. On other transcripts: 3 prime UTR variant (1).
Genome position (GRCh38, 1-based): chr4:128,936,734, G>T on the plus strand (C>A on the coding strand, the complement: SCLT1 is on the minus strand). VCF-style: chr4-128936734-G-T. GRCh37 (hg19) VCF-style: chr4-129857889-G-T.
Other names: c.*87C>A (NM_001410807.1); short protein forms Q584K.
Identifiers: ClinVar variation 4994475 (VCV004994475.1).

ClinVar aggregate classification (germline): Uncertain significance (1 of 4 stars; one submission).

Conditions:
SCLT1-related disorder. Also called: SCLT1-related condition.

Submission:

PreventionGenetics, part of Exact Sciences
Classification: Uncertain significance for SCLT1-related condition. Last evaluated: 2026-09-22. Review status: criteria provided, single submitter. Criteria: ACMG Guidelines, 2015. Collection method: clinical testing. Allele origin: germline.
Comment: The SCLT1 c.1750C>A variant is predicted to result in the amino acid substitution p.Gln584Lys. To our knowledge, this variant has not been reported in the literature or in a large population database (gnomAD), indicating this variant is rare. At this time, the clinical significance of this variant is uncertain due to the absence of conclusive functional and genetic evidence.